The following is an entry in ClinVar:

NM_005529.7(HSPG2):c.1546G>A (p.Ala516Thr)

Gene: HSPG2 (heparan sulfate proteoglycan 2; minus strand). Cytogenetic location: 1p36.12.
Variant type: single nucleotide variant.
Coding change: c.1546G>A on transcript NM_005529.7 (MANE Select); coding-DNA position 1546, G replaced by A.
Protein change: p.Ala516Thr; replaces alanine 516 with threonine.
Molecular consequence: missense variant.
Genome position (GRCh38, 1-based): chr1:21,884,636, C>T on the plus strand (G>A on the coding strand, the complement: HSPG2 is on the minus strand). VCF-style: chr1-21884636-C-T. GRCh37 (hg19) VCF-style: chr1-22211129-C-T.
Other names: c.1549G>A, p.Ala517Thr (NM_001291860.2); short protein forms A516T, A517T.
Identifiers: ClinVar variation 295891 (VCV000295891.14), dbSNP rs147557804, ClinGen allele CA673389.

ClinVar aggregate classification (germline): Uncertain significance. Review status: criteria provided, multiple submitters, no conflicts (2 of 4 stars). 5 submissions from 5 submitters: Uncertain significance (5). Last evaluated 2025-03-02.

Conditions:
Inborn genetic diseases. Identifiers: MedGen C0950123, MeSH D030342.

Allele frequency attached by ClinVar (database versions not stated): gnomAD 0.00013 and 0.00014; ExAC 0.00014; TOPMed 0.00014; gnomAD exomes 0.00019 and 0.00033; ESP Exome Variant Server 0.00023.
gnomAD v4.1: 503 of 1,611,364 alleles (0.031%); highest among the groups gnomAD compares: South Asian, 0.052%; no homozygotes.

Submissions (5):

GeneDx
Classification: Uncertain significance. Last evaluated: 2025-03-02. Review status: criteria provided, single submitter. Criteria: GeneDx Variant Classification Process June 2021. Collection method: clinical testing. Allele origin: germline.
Comment: In silico analysis indicates that this missense variant does not alter protein structure/function; Has not been previously published as pathogenic or benign to our knowledge

Blueprint Genetics
Classification: Uncertain significance. Last evaluated: 2024-07-19. Review status: criteria provided, single submitter. Criteria: ACMG Guidelines, 2015. Collection method: clinical testing. Allele origin: germline.

Ambry Genetics
Classification: Uncertain significance for Inborn genetic diseases. Last evaluated: 2022-02-03. Review status: criteria provided, single submitter. Criteria: Ambry Variant Classification Scheme 2023. Collection method: clinical testing. Allele origin: germline.

Labcorp Genetics (formerly Invitae), Labcorp
Classification: Uncertain significance. Last evaluated: 2021-09-17. Review status: criteria provided, single submitter. Criteria: Invitae Variant Classification Sherloc (09022015). Collection method: clinical testing. Allele origin: germline.
Comment: This sequence change replaces alanine with threonine at codon 516 of the HSPG2 protein (p.Ala516Thr). The alanine residue is weakly conserved and there is a small physicochemical difference between alanine and threonine. This variant is present in population databases (rs147557804, ExAC 0.07%). This variant has not been reported in the literature in individuals affected with HSPG2-related conditions. ClinVar contains an entry for this variant (Variation ID: 295891). Algorithms developed to predict the effect of missense changes on protein structure and function (SIFT, PolyPhen-2, Align-GVGD) all suggest that this variant is likely to be tolerated. In summary, the available evidence is currently insufficient to determine the role of this variant in disease. Therefore, it has been classified as a Variant of Uncertain Significance.

Revvity Omics, Revvity
Classification: Uncertain significance. Last evaluated: 2019-02-26. Review status: criteria provided, single submitter. Criteria: ACMG Guidelines, 2015. Collection method: clinical testing. Allele origin: germline.